The following is an entry in ClinVar:

ClinVar aggregate classification (germline): Pathogenic (1 of 4 stars; one submission).

Conditions:
Early-infantile DEE. Also called: Ohtahara syndrome; Early infantile epileptic encephalopathy with suppression bursts; Early infantile epileptic encephalopathy. Identifiers: Orphanet 1934, MedGen C0393706, MONDO:0800491.

Submission:

Labcorp Genetics (formerly Invitae), Labcorp
Classification: Pathogenic for Early-infantile DEE. Last evaluated: 2025-08-10. Review status: criteria provided, single submitter. Criteria: Invitae Variant Classification Sherloc (09022015). Collection method: clinical testing. Allele origin: germline.
Comment: This sequence change creates a premature translational stop signal (p.Tyr372Leufs*29) in the KCNQ2 gene. It is expected to result in an absent or disrupted protein product. Loss-of-function variants in KCNQ2 are known to be pathogenic (PMID: 14534157, 23692823, 27779742). This variant is not present in population databases (gnomAD no frequency). This variant has not been reported in the literature in individuals affected with KCNQ2-related conditions. ClinVar contains an entry for this variant (Variation ID: 1071549). For these reasons, this variant has been classified as Pathogenic.

Literature cited by the submitters: PubMed 14534157; PubMed 23692823; PubMed 27779742.

NM_172107.4(KCNQ2):c.1114dup (p.Tyr372fs)

Gene: KCNQ2 (potassium voltage-gated channel subfamily Q member 2; minus strand). Cytogenetic location: 20q13.33.
Variant type: Duplication.
Coding change: c.1114dup on transcript NM_172107.4 (MANE Select); coding-DNA position 1114, one base duplicated (T; older notation c.1114dupT).
Protein change: p.Tyr372fs; shifts the reading frame from tyrosine 372.
Molecular consequence: frameshift variant.
Genome position (GRCh38, 1-based): chr20:63,433,813, A duplicated on the plus strand (T on the coding strand, the reverse complement: KCNQ2 is on the minus strand). VCF-style (leftmost placement, unchanged base first): chr20-63433812-T-TA. GRCh37 (hg19) VCF-style: chr20-62065165-T-TA.
Other names: c.1114dup, p.Tyr372fs (NM_001382235.1, NM_004518.6, NM_172106.3 and 2 more transcripts); short protein forms Y372fs.
Identifiers: ClinVar variation 1071549 (VCV001071549.8), dbSNP rs2145679099, ClinGen allele CA2499225808.